The following is an entry in ClinVar:

ClinVar aggregate classification (germline): Uncertain significance (1 of 4 stars; one submission).

Conditions:
Mucopolysaccharidosis, MPS-IV-A (MPS4A). Also called: Mucopolysaccharidosis type IV A; Mucopolysaccharidosis Type IVA; Morquio syndrome A, mild; MORQUIO SYNDROME A; MPS IVA; mucopolysaccharidosis type 4A. Identifiers: Orphanet 309297, Orphanet 582, MedGen C0086651, MONDO:0009659, OMIM 253000.

Submission:

Laboratory of Diagnosis and Therapy of Lysosomal Disorders, University of Padova
Classification: Uncertain significance for Mucopolysaccharidosis, MPS-IV-A. Last evaluated: 2021-02-01. Review status: criteria provided, single submitter. Criteria: ACMG Guidelines, 2015. Collection method: curation. Allele origin: germline. Affected: yes.
Comment: Absent from gnomAD v2.1.1 (PM2_moderate)

Literature cited by the submitters: PubMed 29275451; PubMed 30927141; PubMed 34387910.

NM_000512.5(GALNS):c.121-9T>G

Gene: GALNS (galactosamine (N-acetyl)-6-sulfatase; minus strand). Cytogenetic location: 16q24.3.
Variant type: single nucleotide variant.
Coding change: c.121-9T>G on transcript NM_000512.5 (MANE Select); 9 bases into the intron before coding-DNA position 121, T replaced by G.
Molecular consequence: intron variant.
Genome position (GRCh38, 1-based): chr16:88,842,838, A>C on the plus strand (T>G on the coding strand, the complement: GALNS is on the minus strand). VCF-style: chr16-88842838-A-C. GRCh37 (hg19) VCF-style: chr16-88909246-A-C.
Other names: c.-311-867T>G (NM_001323543.2); c.139-9T>G (NM_001323544.2).
Identifiers: ClinVar variation 1048375 (VCV001048375.3), dbSNP rs2143005573, ClinGen allele CA915940895.